The following is an entry in ClinVar:

ClinVar aggregate classification (germline): Pathogenic (1 of 4 stars; one submission).

Conditions:
Familial cancer of breast. Also called: hereditary breast carcinoma; BREAST CANCER, FAMILIAL; Hereditary breast cancer. Identifiers: Orphanet 227535, MedGen C0346153, MONDO:0016419, OMIM 114480. Disease mechanism: loss of function.

Submission:

Labcorp Genetics (formerly Invitae), Labcorp
Classification: Pathogenic for Familial cancer of breast. Last evaluated: 2024-04-01. Review status: criteria provided, single submitter. Criteria: Invitae Variant Classification Sherloc (09022015). Collection method: clinical testing. Allele origin: germline.
Comment: This sequence change creates a premature translational stop signal (p.Cys77*) in the PALB2 gene. It is expected to result in an absent or disrupted protein product. Loss-of-function variants in PALB2 are known to be pathogenic (PMID: 17200668, 17200671, 17200672, 24136930, 25099575). This variant is not present in population databases (gnomAD no frequency). This variant has not been reported in the literature in individuals affected with PALB2-related conditions. For these reasons, this variant has been classified as Pathogenic.

Literature cited by the submitters: PubMed 17200668; PubMed 17200671; PubMed 17200672; PubMed 24136930; PubMed 25099575.

NM_024675.4(PALB2):c.231T>A (p.Cys77Ter)

Gene: PALB2 (partner and localizer of BRCA2; minus strand). Cytogenetic location: 16p12.2.
Variant type: single nucleotide variant.
Coding change: c.231T>A on transcript NM_024675.4 (MANE Select); coding-DNA position 231, T replaced by A.
Protein change: p.Cys77Ter; replaces cysteine 77 with a stop codon.
Molecular consequence: nonsense. On other transcripts: 5 prime UTR variant (8), intron variant (3).
Genome position (GRCh38, 1-based): chr16:23,636,315, A>T on the plus strand (T>A on the coding strand, the complement: PALB2 is on the minus strand). VCF-style: chr16-23636315-A-T. GRCh37 (hg19) VCF-style: chr16-23647636-A-T.
Other names: c.171T>A, p.Cys57Ter (NM_001407296.1); c.231T>A, p.Cys77Ter (NM_001407297.1, NM_001407298.1, NM_001407299.1 and 3 more transcripts); c.-655T>A (NM_001407304.1, NM_001407305.1, NM_001407306.1 and 5 more transcripts); c.48+4795T>A (NM_001407314.1); c.-105+4795T>A (NM_001407313.1, NM_001407312.1); short protein forms C57*, C77*.
Identifiers: ClinVar variation 3648282 (VCV003648282.2).
Genomic context (GRCh38, chr16:23,636,315, plus strand): 5'-AGATGTCTTTTCTCCAGTTTCTTCATCAAGATGGGTTTTGATGTGTAACTTGTCATAAAC[A>T]CATATTTTATTTTTAGGTTCTGAGGAGGAAAAAAATGTATATAACTTATATTTTTCTTAT-3'